The following is an entry in ClinVar:

NM_007294.4(BRCA1):c.70_73dup (p.Pro25fs)

Gene: BRCA1 (BRCA1 DNA repair associated; minus strand). Cytogenetic location: 17q21.31.
Variant type: Duplication.
Coding change: c.70_73dup on transcript NM_007294.4 (MANE Select); coding-DNA positions 70 to 73, 4 bases duplicated (TGTC; older notation c.70_73dupTGTC).
Protein change: p.Pro25fs; shifts the reading frame from proline 25.
Molecular consequence: frameshift variant. On other transcripts: 5 prime UTR variant (1), non-coding transcript variant (1).
Genome position (GRCh38, 1-based): chr17:43,124,024-43,124,027, GACA duplicated on the plus strand (TGTC on the coding strand, the reverse complement: BRCA1 is on the minus strand). VCF-style (leftmost placement, unchanged base first): chr17-43124023-G-GGACA. GRCh37 (hg19) VCF-style: chr17-41276040-G-GGACA.
Other names: 189insTGTC; c.70_73dupTGTC (NM_007294.3); c.-191_-188dup (NM_001408503.1, NM_001408504.1, NM_001407725.1 and 22 more transcripts); c.-119_-116dup (NM_001408506.1, NM_001408507.1, NM_001408508.1 and 46 more transcripts); c.-238_-235dup (NM_001408513.1, NM_001407917.1, NM_001407954.1); c.-18_-15dup (NM_007297.4, NM_001407698.1, NM_001407732.1 and 23 more transcripts); c.70_73dup, p.Pro25Leufs (NM_007298.4, NM_007304.2, NM_001407581.1 and 191 more transcripts); c.70_73dup, p.Pro25fs (NM_007299.4, NM_007300.4); and 11 more; short protein forms P25fs.
Identifiers: ClinVar variation 55675 (VCV000055675.17), dbSNP rs397509310, ClinGen allele CA328042.

ClinVar aggregate classification (germline): Pathogenic. Review status: reviewed by expert panel (3 of 4 stars). 5 submissions from 5 submitters: Pathogenic (1). 4 of the submissions do not count toward it. Last evaluated 2016-10-18.

Conditions:
Hereditary cancer-predisposing syndrome. Also called: Hereditary Cancer Syndrome; Hereditary neoplastic syndrome; Neoplastic Syndromes, Hereditary; Tumor predisposition. Identifiers: Orphanet 140162, MedGen C0027672, MeSH D009386, MONDO:0015356.
Breast-ovarian cancer, familial, susceptibility to, 1 (BROVCA1). Also called: BRCA1 Hereditary Breast and Ovarian Cancer; OVARIAN CANCER, SUSCEPTIBILITY TO. Identifiers: Orphanet 145, MedGen C2676676, MONDO:0011450, OMIM 604370. Disease mechanism: loss of function.
Hereditary breast ovarian cancer syndrome. Also called: BRCA1- and BRCA2-Associated Hereditary Breast and Ovarian Cancer; Hereditary breast and ovarian cancer syndrome; Hereditary breast and ovarian cancer syndrome (HBOC); Breast and ovarian cancer; Hereditary breast and/or ovarian cancer syndrome; Hereditary breast and ovarian cancer. Identifiers: Orphanet 145, MedGen C0677776, MeSH D061325, MONDO:0003582. Disease mechanism: loss of function.

Submissions (5):

Evidence-based Network for the Interpretation of Germline Mutant Alleles (ENIGMA)
Classification: Pathogenic for Breast-ovarian cancer, familial, susceptibility to, 1. Last evaluated: 2016-10-18. Review status: reviewed by expert panel. Criteria: ENIGMA BRCA1/2 Classification Criteria (2015). Collection method: curation. Allele origin: germline.
Comment: Variant allele predicted to encode a truncated non-functional protein.

ARUP Laboratories, Molecular Genetics and Genomics, ARUP Laboratories
Classification: Pathogenic. Last evaluated: 2024-05-28. Review status: criteria provided, single submitter. Criteria: ARUP Molecular Germline Variant Investigation Process 2024. Collection method: clinical testing. Allele origin: germline. Not counted in ClinVar's aggregate classification.
Comment: The BRCA1 c.70_73dup; p.Pro25LeufsTer17 variant (rs397509310, ClinVar Variation ID: 55675), also known as 189insTGTC, is reported in individuals with hereditary breast and ovarian cancer syndrome and shown to segregate with disease (Diez 1997, Gabaldo Barrios 2017). This variant is absent from the Genome Aggregation Database (v2.1.1 non-cancer), indicating it is not a common polymorphism. This variant causes a frameshift by inserting four nucleotides, so it is predicted to result in a truncated protein or mRNA subject to nonsense-mediated decay. Based on available information, this variant is considered to be pathogenic. References: Diez O et al. Differences in phenotypic expression of a new BRCA1 mutation in identical twins. Lancet. 1997 Sep 6;350(9079):713. PMID: 9291910. Gabaldo Barrios X et al. Molecular characterization and clinical interpretation of BRCA1/BRCA2 variants in families from Murcia (south-eastern Spain) with hereditary breast and ovarian cancer: clinical-pathological features in BRCA carriers and non-carriers. Fam Cancer. 2017 Oct;16(4):477-489. PMID: 28477318.

Color Diagnostics, LLC DBA Color Health
Classification: Pathogenic for Hereditary cancer-predisposing syndrome. Last evaluated: 2024-02-20. Review status: criteria provided, single submitter. Criteria: ACMG Guidelines, 2015. Collection method: clinical testing. Allele origin: germline. Not counted in ClinVar's aggregate classification.
Comment: This variant inserts 4 nucleotides in exon 2 of the BRCA1 gene, creating a frameshift and premature translation stop signal. This variant is expected to result in an absent or non-functional protein product. This variant has been reported in individuals and a family affected with ovarian and breast cancer (PMID: 12955716, 28145423, 28477318, 29446198, 35451682). This variant has not been identified in the general population by the Genome Aggregation Database (gnomAD). Loss of BRCA1 function is a known mechanism of disease. Based on the available evidence, this variant is classified as Pathogenic.

Labcorp Genetics (formerly Invitae), Labcorp
Classification: Pathogenic for Hereditary breast ovarian cancer syndrome. Last evaluated: 2019-12-13. Review status: criteria provided, single submitter. Criteria: Invitae Variant Classification Sherloc (09022015). Collection method: clinical testing. Allele origin: germline. Not counted in ClinVar's aggregate classification.
Comment: This variant has been observed to segregate with breast and ovarian cancer in a family (PMID: 28477318). This variant is also known as 189insTGTC in the literature. ClinVar contains an entry for this variant (Variation ID: 55675). For these reasons, this variant has been classified as Pathogenic. Loss-of-function variants in BRCA1 are known to be pathogenic (PMID: 20104584). This variant is not present in population databases (ExAC no frequency). This sequence change creates a premature translational stop signal (p.Pro25Leufs*17) in the BRCA1 gene. It is expected to result in an absent or disrupted protein product.

Consortium of Investigators of Modifiers of BRCA1/2 (CIMBA), c/o University of Cambridge
Classification: Pathogenic for Breast-ovarian cancer, familial, susceptibility to, 1. Last evaluated: 2015-10-02. Review status: criteria provided, single submitter. Criteria: CIMBA Mutation Classification guidelines May 2016. Collection method: clinical testing. Allele origin: germline. Not counted in ClinVar's aggregate classification.

Literature cited by the submitters: PubMed 12955716 (cited by Color Diagnostics, LLC DBA Color Health); PubMed 28145423 (cited by Color Diagnostics, LLC DBA Color Health); PubMed 28477318 (cited by Color Diagnostics, LLC DBA Color Health and Labcorp Genetics (formerly Invitae), Labcorp); PubMed 29446198 (cited by Color Diagnostics, LLC DBA Color Health); PubMed 35451682 (cited by Color Diagnostics, LLC DBA Color Health); PubMed 20104584 (cited by Labcorp Genetics (formerly Invitae), Labcorp).